The following is an entry in ClinVar:

ClinVar aggregate classification (germline): Pathogenic (1 of 4 stars; one submission).

Submission:

Labcorp Genetics (formerly Invitae), Labcorp
Classification: Pathogenic. Last evaluated: 2023-10-28. Review status: criteria provided, single submitter. Criteria: Invitae Variant Classification Sherloc (09022015). Collection method: clinical testing. Allele origin: germline.
Comment: This sequence change creates a premature translational stop signal (p.Lys1746*) in the CCDC88C gene. While this is not anticipated to result in nonsense mediated decay, it is expected to disrupt the last 283 amino acid(s) of the CCDC88C protein. This variant is not present in population databases (gnomAD no frequency). This variant has not been reported in the literature in individuals affected with CCDC88C-related conditions. This variant disrupts a region of the CCDC88C protein in which other variant(s) (p.Glu1949Glyfs*26) have been determined to be pathogenic (PMID: 23042809). This suggests that this is a clinically significant region of the protein, and that variants that disrupt it are likely to be disease-causing. For these reasons, this variant has been classified as Pathogenic.

Literature cited by the submitters: PubMed 23042809.

NM_001080414.4(CCDC88C):c.5234_5235dup (p.Lys1746Ter)

Gene: CCDC88C (coiled-coil and HOOK domain protein 88C; minus strand). Cytogenetic location: 14q32.11.
Variant type: Duplication.
Coding change: c.5234_5235dup on transcript NM_001080414.4 (MANE Select); coding-DNA positions 5234 to 5235, 2 bases duplicated (TG; older notation c.5234_5235dupTG).
Protein change: p.Lys1746Ter; replaces lysine 1746 with a stop codon.
Molecular consequence: nonsense.
Genome position (GRCh38, 1-based): chr14:91,273,477-91,273,478, CA duplicated on the plus strand (TG on the coding strand, the reverse complement: CCDC88C is on the minus strand). VCF-style (leftmost placement, unchanged base first): chr14-91273476-T-TCA. GRCh37 (hg19) VCF-style: chr14-91739820-T-TCA.
Other names: short protein forms K1746*.
Identifiers: ClinVar variation 2766575 (VCV002766575.3), dbSNP rs2544240988, ClinGen allele CA2697554089.